The following is an entry in ClinVar:

ClinVar aggregate classification (germline): Pathogenic (1 of 4 stars; one submission).

Allele frequency attached by ClinVar (database versions not stated): TOPMed below 0.00001; ExAC 0.00001; gnomAD exomes 0.00001.
gnomAD v4.1: 10 of 1,613,906 alleles (0.00062%); highest among the groups gnomAD compares: Non-Finnish European, 0.00076%; no homozygotes.

Submission:

Labcorp Genetics (formerly Invitae), Labcorp
Classification: Pathogenic. Last evaluated: 2024-10-09. Review status: criteria provided, single submitter. Criteria: Invitae Variant Classification Sherloc (09022015). Collection method: clinical testing. Allele origin: germline.
Comment: This sequence change creates a premature translational stop signal (p.Gln109*) in the SCP2 gene. It is expected to result in an absent or disrupted protein product. Loss-of-function variants in SCP2 are known to be pathogenic (PMID: 16685654, 26497993). This variant is present in population databases (rs746730267, gnomAD 0.002%). This variant has not been reported in the literature in individuals affected with SCP2-related conditions. ClinVar contains an entry for this variant (Variation ID: 1375705). For these reasons, this variant has been classified as Pathogenic.

Literature cited by the submitters: PubMed 16685654; PubMed 26497993.

NM_002979.5(SCP2):c.325C>T (p.Gln109Ter)

Gene: SCP2 (sterol carrier protein 2; plus strand). Cytogenetic location: 1p32.3.
Variant type: single nucleotide variant.
Coding change: c.325C>T on transcript NM_002979.5 (MANE Select); coding-DNA position 325, C replaced by T.
Protein change: p.Gln109Ter; replaces glutamine 109 with a stop codon.
Molecular consequence: nonsense. On other transcripts: intron variant (2).
Genome position (GRCh38, 1-based): chr1:52,950,880, C>T. VCF-style: chr1-52950880-C-T. GRCh37 (hg19) VCF-style: chr1-53416552-C-T.
Other names: c.253C>T, p.Gln85Ter (NM_001193599.2); c.82C>T, p.Gln28Ter (NM_001193617.2); c.325C>T, p.Gln109Ter (NM_001330587.2); c.199+2800C>T (NM_001193600.2, NM_001007098.3); short protein forms Q28*, Q109*, Q85*.
Identifiers: ClinVar variation 1375705 (VCV001375705.6), dbSNP rs746730267, ClinGen allele CA857071.